The following is an entry in ClinVar:

ClinVar aggregate classification (germline): Uncertain significance. Review status: criteria provided, multiple submitters, no conflicts (2 of 4 stars). 2 submissions from 2 submitters: Uncertain significance (2). Last evaluated 2024-08-07.

Conditions:
Asphyxiating thoracic dystrophy 5 (SRTD5). Also called: SHORT-RIB THORACIC DYSPLASIA 5 WITH OR WITHOUT POLYDACTYLY; SHORT-RIB THORACIC DYSPLASIA 5 WITHOUT POLYDACTYLY. Identifiers: Orphanet 474, MedGen C3280598, MONDO:0013717, OMIM 614376.
Senior-Loken syndrome 8 (SLSN8). Identifiers: Orphanet 3156, MedGen C4225376, MONDO:0014579, OMIM 616307.

Allele frequency attached by ClinVar (database versions not stated): gnomAD exomes below 0.00001; TOPMed below 0.00001; ExAC 0.00001; gnomAD 0.00001.
gnomAD v4.1: 16 of 1,613,500 alleles (0.00099%); highest among the groups gnomAD compares: East Asian, 0.0045%; no homozygotes.

Submissions (2):

Blueprint Genetics
Classification: Uncertain significance. Last evaluated: 2024-08-07. Review status: criteria provided, single submitter. Criteria: ACMG Guidelines, 2015. Collection method: clinical testing. Allele origin: germline.

Labcorp Genetics (formerly Invitae), Labcorp
Classification: Uncertain significance for Senior-Loken syndrome 8; Asphyxiating thoracic dystrophy 5. Last evaluated: 2022-10-17. Review status: criteria provided, single submitter. Criteria: Invitae Variant Classification Sherloc (09022015). Collection method: clinical testing. Allele origin: germline.
Comment: This sequence change replaces aspartic acid, which is acidic and polar, with asparagine, which is neutral and polar, at codon 732 of the WDR19 protein (p.Asp732Asn). This variant is present in population databases (rs765614115, gnomAD 0.006%). This variant has not been reported in the literature in individuals affected with WDR19-related conditions. ClinVar contains an entry for this variant (Variation ID: 934573). Algorithms developed to predict the effect of missense changes on protein structure and function output the following: SIFT: "Tolerated"; PolyPhen-2: "Benign"; Align-GVGD: "Class C0". The asparagine amino acid residue is found in multiple mammalian species, which suggests that this missense change does not adversely affect protein function. In summary, the available evidence is currently insufficient to determine the role of this variant in disease. Therefore, it has been classified as a Variant of Uncertain Significance.

NM_025132.4(WDR19):c.2194G>A (p.Asp732Asn)

Gene: WDR19 (WD repeat domain 19; plus strand). Cytogenetic location: 4p14.
Variant type: single nucleotide variant.
Coding change: c.2194G>A on transcript NM_025132.4 (MANE Select); coding-DNA position 2194, G replaced by A.
Protein change: p.Asp732Asn; replaces aspartic acid 732 with asparagine.
Molecular consequence: missense variant.
Genome position (GRCh38, 1-based): chr4:39,232,213, G>A. VCF-style: chr4-39232213-G-A. GRCh37 (hg19) VCF-style: chr4-39233833-G-A.
Other names: c.1714G>A, p.Asp572Asn (NM_001317924.2); short protein forms D572N, D732N.
Identifiers: ClinVar variation 934573 (VCV000934573.9), dbSNP rs765614115, ClinGen allele CA2892027.